The following is an entry in ClinVar:

NM_000451.4(SHOX):c.864G>C (p.Glu288Asp)

Gene: SHOX (SHOX homeobox; plus strand). Cytogenetic location: Xp22.33.
Variant type: single nucleotide variant.
Coding change: c.864G>C on transcript NM_000451.4 (MANE Select); coding-DNA position 864, G replaced by C.
Protein change: p.Glu288Asp; replaces glutamic acid 288 with aspartic acid.
Molecular consequence: missense variant. On other transcripts: intron variant (1).
Genome position (GRCh38, 1-based): chrX:644,621, G>C. VCF-style: chrX-644621-G-C. GRCh37 (hg19) VCF-style: chrX-605356-G-C.
Other names: c.633+3534G>C (NM_006883.2); short protein forms E288D.
Identifiers: ClinVar variation 3768016 (VCV003768016.1).
Genomic context (GRCh38, chrX:644,621, plus strand): 5'-AAGCAACAGCAAGAATTCCAGCATCGCCGACCTGCGGCTCAAGGCGCGGAAGCACGCGGA[G>C]GCCCTGGGGCTCTGACCCGCCGCGCAGCCCCCCGCGCGCCCGGACTCCCGGGCTCCGCGC-3'
Protein context (NP_000442.1, residues 278-292): DLRLKARKHA[Glu288Asp]ALGL

ClinVar aggregate classification (germline): Uncertain significance (1 of 4 stars; one submission).

Submission:

Women's Health and Genetics/Laboratory Corporation of America, LabCorp
Classification: Uncertain significance. Last evaluated: 2024-12-16. Review status: criteria provided, single submitter. Criteria: LabCorp Variant Classification Summary - May 2015. Collection method: clinical testing. Allele origin: germline.
Comment: Variant summary: SHOX c.864G>C (p.Glu288Asp) results in a conservative amino acid change in the encoded protein sequence. Three of five in-silico tools predict a benign effect of the variant on protein function. The variant was absent in 97800 control chromosomes. The available data on variant occurrences in the general population are insufficient to allow any conclusion about variant significance. To our knowledge, no occurrence of c.864G>C in individuals affected with Langer Mesomelic Dysplasia and no experimental evidence demonstrating its impact on protein function have been reported. No submitters have cited clinical-significance assessments for this variant to ClinVar. Based on the evidence outlined above, the variant was classified as uncertain significance.